The following is an entry in ClinVar:

ClinVar aggregate classification (germline): Uncertain significance. Review status: criteria provided, multiple submitters, no conflicts (2 of 4 stars). 2 submissions from 2 submitters: Uncertain significance (2). Last evaluated 2024-08-20.

Conditions:
Specific granule deficiency. Identifiers: Orphanet 169142, MedGen C0398593, MONDO:0009506.

Allele frequency attached by ClinVar (database versions not stated): ExAC 0.00002; gnomAD exomes 0.00003; TOPMed 0.00006; ESP Exome Variant Server 0.00008.

Submissions (2):

Blueprint Genetics
Classification: Uncertain significance. Last evaluated: 2024-08-20. Review status: criteria provided, single submitter. Criteria: ACMG Guidelines, 2015. Collection method: clinical testing. Allele origin: germline.

Labcorp Genetics (formerly Invitae), Labcorp
Classification: Uncertain significance for Specific granule deficiency. Last evaluated: 2023-12-11. Review status: criteria provided, single submitter. Criteria: Invitae Variant Classification Sherloc (09022015). Collection method: clinical testing. Allele origin: germline.
Comment: This sequence change replaces alanine, which is neutral and non-polar, with threonine, which is neutral and polar, at codon 44 of the CEBPE protein (p.Ala44Thr). This variant is present in population databases (rs200138272, gnomAD 0.008%). This variant has not been reported in the literature in individuals affected with CEBPE-related conditions. ClinVar contains an entry for this variant (Variation ID: 935789). An algorithm developed to predict the effect of missense changes on protein structure and function (PolyPhen-2) suggests that this variant is likely to be disruptive. In summary, the available evidence is currently insufficient to determine the role of this variant in disease. Therefore, it has been classified as a Variant of Uncertain Significance.

NM_001805.4(CEBPE):c.130G>A (p.Ala44Thr)

Gene: CEBPE (CCAAT enhancer binding protein epsilon; minus strand). Cytogenetic location: 14q11.2.
Variant type: single nucleotide variant.
Coding change: c.130G>A on transcript NM_001805.4 (MANE Select); coding-DNA position 130, G replaced by A.
Protein change: p.Ala44Thr; replaces alanine 44 with threonine.
Molecular consequence: missense variant.
Genome position (GRCh38, 1-based): chr14:23,118,962, C>T on the plus strand (G>A on the coding strand, the complement: CEBPE is on the minus strand). VCF-style: chr14-23118962-C-T. GRCh37 (hg19) VCF-style: chr14-23588171-C-T.
Other names: short protein forms A44T.
Identifiers: ClinVar variation 935789 (VCV000935789.7), dbSNP rs200138272, ClinGen allele CA7111286.